The following is an entry in ClinVar:

NM_053013.4(ENO3):c.877G>A (p.Glu293Lys)

Gene: ENO3 (enolase 3; plus strand). Cytogenetic location: 17p13.2.
Variant type: single nucleotide variant.
Coding change: c.877G>A on transcript NM_053013.4 (MANE Select); coding-DNA position 877, G replaced by A.
Protein change: p.Glu293Lys; replaces glutamic acid 293 with lysine.
Molecular consequence: missense variant.
Genome position (GRCh38, 1-based): chr17:4,955,953, G>A. VCF-style: chr17-4955953-G-A. GRCh37 (hg19) VCF-style: chr17-4859248-G-A.
Other names: c.748G>A, p.Glu250Lys (NM_001193503.2); c.877G>A, p.Glu293Lys (NM_001374523.1, NM_001976.5); c.904G>A, p.Glu302Lys (NM_001374524.1); short protein forms E250K, E293K, E302K.
Identifiers: ClinVar variation 2194201 (VCV002194201.4), dbSNP rs1436437493, ClinGen allele CA397292301.

ClinVar aggregate classification (germline): Uncertain significance (1 of 4 stars; one submission).

Conditions:
Glycogen storage disease due to muscle beta-enolase deficiency (GSD13). Also called: Glycogen Storage Disease Type XIII; ENOLASE 3 DEFICIENCY; ENOLASE-BETA DEFICIENCY; GSD XIII. Identifiers: Orphanet 99849, MedGen C2752027, MONDO:0013046, OMIM 612932.

Allele frequency attached by ClinVar (database versions not stated): gnomAD exomes 0.00001; TOPMed 0.00002.

Submission:

Labcorp Genetics (formerly Invitae), Labcorp
Classification: Uncertain significance for Glycogen storage disease due to muscle beta-enolase deficiency. Last evaluated: 2021-12-16. Review status: criteria provided, single submitter. Criteria: Invitae Variant Classification Sherloc (09022015). Collection method: clinical testing. Allele origin: germline.
Comment: This sequence change replaces glutamic acid, which is acidic and polar, with lysine, which is basic and polar, at codon 293 of the ENO3 protein (p.Glu293Lys). This variant is present in population databases (no rsID available, gnomAD 0.004%). This variant has not been reported in the literature in individuals affected with ENO3-related conditions. Algorithms developed to predict the effect of missense changes on protein structure and function are either unavailable or do not agree on the potential impact of this missense change (SIFT: "Deleterious"; PolyPhen-2: "Probably Damaging"; Align-GVGD: "Class C0"). In summary, the available evidence is currently insufficient to determine the role of this variant in disease. Therefore, it has been classified as a Variant of Uncertain Significance.